The following is an entry in ClinVar:

NM_000210.4(ITGA6):c.*747A>G

Genes: ITGA6 (integrin subunit alpha 6; plus strand), PDK1-AS1 (PDK1 and ITGA6 antisense RNA 1; minus strand). Cytogenetic location: 2q31.1.
Variant type: single nucleotide variant.
Coding change: c.*747A>G on transcript NM_000210.4 (MANE Select); 747 bases downstream of the stop codon, A replaced by G.
Molecular consequence: 3 prime UTR variant.
Genome position (GRCh38, 1-based): chr2:172,504,815, A>G. VCF-style: chr2-172504815-A-G. GRCh37 (hg19) VCF-style: chr2-173369543-A-G.
Other names: c.*563A>G (NM_001079818.3, NM_001365529.2); c.*747A>G (NM_001316306.2, NM_001365530.2).
Identifiers: ClinVar variation 892612 (VCV000892612.4), dbSNP rs564832593, ClinGen allele CA60697270.

ClinVar aggregate classification (germline): Likely benign (1 of 4 stars; one submission).

Conditions:
Junctional epidermolysis bullosa with pyloric atresia. Also called: APLASIA CUTIS CONGENITA WITH GASTROINTESTINAL ATRESIA; CARMI SYNDROME; EB-PA-ACC; EPIDERMOLYSIS BULLOSA, JUNCTIONAL 5B, WITH PYLORIC ATRESIA; ITGB4-Related Epidermolysis Bullosa with Pyloric Atresia; ITGA6-Related Epidermolysis Bullosa with Pyloric Atresia. Identifiers: Orphanet 79403, MedGen C5676875, MONDO:0009183, OMIM 226730.

Allele frequency attached by ClinVar (database versions not stated): 1000 Genomes Project 30x 0.00172; 1000 Genomes Project 0.00200; gnomAD 0.00001 and 0.00012; TOPMed 0.00001.

Submission:

Illumina Laboratory Services, Illumina
Classification: Likely benign for Junctional epidermolysis bullosa with pyloric atresia. Last evaluated: 2018-01-13. Review status: criteria provided, single submitter. Criteria: ICSL Variant Classification Criteria 13 December 2019. Collection method: clinical testing. Allele origin: germline.
Comment: This variant was observed in the ICSL laboratory as part of a predisposition screen in an ostensibly healthy population. It had not been previously curated by ICSL or reported in the Human Gene Mutation Database (HGMD: prior to June 1st, 2018), and was therefore a candidate for classification through an automated scoring system. Utilizing variant allele frequency, disease prevalence and penetrance estimates, and inheritance mode, an automated score was calculated to assess if this variant is too frequent to cause the disease. Based on the score and internal cut-off values, a variant classified as likely benign is not then subjected to further curation. The score for this variant resulted in a classification of likely benign for this disease.